The following is an entry in ClinVar:

NM_000552.5(VWF):c.2311A>G (p.Met771Val)

Gene: VWF (von Willebrand factor; minus strand). Cytogenetic location: 12p13.31.
Variant type: single nucleotide variant.
Coding change: c.2311A>G on transcript NM_000552.5 (MANE Select); coding-DNA position 2311, A replaced by G.
Protein change: p.Met771Val; replaces methionine 771 with valine.
Molecular consequence: missense variant.
Genome position (GRCh38, 1-based): chr12:6,044,422, T>C on the plus strand (A>G on the coding strand, the complement: VWF is on the minus strand). VCF-style: chr12-6044422-T-C. GRCh37 (hg19) VCF-style: chr12-6153588-T-C.
Other names: p.M771V; c.2311A>G (NM_000552.4); short protein forms M771V.
Identifiers: ClinVar variation 1065273 (VCV001065273.9), dbSNP rs1212894308, ClinGen allele CA383522481.

ClinVar aggregate classification (germline): Conflicting classifications of pathogenicity. Review status: criteria provided, conflicting classifications (1 of 4 stars). 4 submissions from 4 submitters: Likely pathogenic (1); Uncertain significance (2). 1 of the submissions does not count toward it. Last evaluated 2026-02-03.

Conditions:
von Willebrand disease type 3 (VWD3). Also called: Type 3 Von Willebrand's disease; Type 3 VWD; Von Willebrand disease, severe form; V WD3; VON WILLEBRAND DISEASE, TYPE III. Identifiers: Orphanet 166096, MedGen C1264041, MONDO:0010191, OMIM 277480.
VWF-related disorder. Also called: VWF-related disorders; VWF-related condition.

Allele frequency attached by ClinVar (database versions not stated): gnomAD exomes 0.00001; TOPMed 0.00001.
gnomAD v4.1: 9 of 1,614,172 alleles (0.00056%); highest among the groups gnomAD compares: Non-Finnish European, 0.00076%; no homozygotes.

Submissions (4):

PreventionGenetics, part of Exact Sciences
Classification: Likely pathogenic for VWF-related condition. Last evaluated: 2026-02-03. Review status: criteria provided, single submitter. Criteria: ACMG Guidelines, 2015. Collection method: clinical testing. Allele origin: germline.
Comment: The VWF c.2311A>G variant is predicted to result in the amino acid substitution p.Met771Val. This variant has been reported in the homozygous state or with a second VWF variant in multiple individuals with von Willebrand disease (Kakela et al. 2006. PubMed ID: 16321553; Bär. et al. 2025. PubMed ID: 39510415). This variant co-segregated with disease in two unrelated families with severe bleeding phenotypes (Bär. et al. 2025. PubMed ID: 39510415). In vitro experimental studies using patient-derived cells and HEK293 cells suggest this variant causes endoplasmic reticulum retention of VWF, defective proteolytic processing, and severely reduced or absent VWF secretion (Bär. et al. 2025. PubMed ID: 39510415). This variant has not been reported in a large population database (gnomAD), indicating it is rare. Alternate missense substitutions at this same codon (c.2313G>A, p.Met771Ile; c.2313G>T, p.Met771Ile) have been reported in individuals with von Willebrand disease (Goodeve et al. 2007. PubMed ID: 16985174; Elayaperumal et al. 2018. PubMed ID: 29984440) suggesting that substitution of amino acid residue p.Met771 is not tolerated. Given the evidence, the c.2311A>G (p.Met771Val) variant is interpreted as likely pathogenic.

Laboratory of Hematology, Radboud University Medical Center
Classification: Uncertain significance for von Willebrand disease type 3. Last evaluated: 2020-12-10. Review status: criteria provided, single submitter. Criteria: ACMG Guidelines, 2015. Collection method: research. Allele origin: germline. Affected: yes. Observed: 2 variant alleles. Study: WIN study.

GeneDx
Classification: Uncertain significance. Last evaluated: 2020-05-26. Review status: criteria provided, single submitter. Criteria: GeneDx Variant Classification Process June 2021. Collection method: clinical testing. Allele origin: germline. Affected: yes.
Comment: Not observed in large population cohorts (Lek et al., 2016); In silico analysis supports that this missense variant has a deleterious effect on protein structure/function; This variant is associated with the following publications: (PMID: 23407766, 16321553)

Angelo Bianchi Bonomi Hemophilia and Thrombosis Center, Fondazione IRCCS Ca Granda Ospedale Maggiore Policlinico
Classification: Likely pathogenic for von Willebrand disease type 3. Last evaluated: 2020-11-01. Review status: no assertion criteria provided. Collection method: clinical testing. Allele origin: germline. Affected: yes. Study: Type 3 Von Willebrand International Registries Inhibitor Prospective Study (3WINTERS-IPS). Not counted in ClinVar's aggregate classification.
Comment: ClinGen Pathogenicity Calculator